The following is an entry in ClinVar:

NM_178452.6(DNAAF1):c.1311G>C (p.Glu437Asp)

Gene: DNAAF1 (dynein axonemal assembly factor 1; plus strand). Cytogenetic location: 16q24.1.
Variant type: single nucleotide variant.
Coding change: c.1311G>C on transcript NM_178452.6 (MANE Select); coding-DNA position 1311, G replaced by C.
Protein change: p.Glu437Asp; replaces glutamic acid 437 with aspartic acid.
Molecular consequence: missense variant.
Genome position (GRCh38, 1-based): chr16:84,170,139, G>C. VCF-style: chr16-84170139-G-C. GRCh37 (hg19) VCF-style: chr16-84203745-G-C.
Other names: c.603G>C, p.Glu201Asp (NM_001318756.1); c.1311G>C (NM_178452.4); short protein forms E437D, E201D.
Identifiers: ClinVar variation 2148829 (VCV002148829.2), dbSNP rs2507470388, ClinGen allele CA396948195.

ClinVar aggregate classification (germline): Uncertain significance. Review status: criteria provided, multiple submitters, no conflicts (2 of 4 stars). 2 submissions from 2 submitters: Uncertain significance (2). Last evaluated 2025-01-13.

Conditions:
Primary ciliary dyskinesia. Also called: Ciliary dyskinesia. Identifiers: Orphanet 244, MedGen C0008780, MONDO:0016575, HP:0012265.

Allele frequency attached by ClinVar (database versions not stated): gnomAD exomes below 0.00001.
gnomAD v4.1: 4 of 1,585,928 alleles (0.00025%); highest among the groups gnomAD compares: Admixed American, 0.0034%; no homozygotes.

Submissions (2):

Ambry Genetics
Classification: Uncertain significance for Primary ciliary dyskinesia. Last evaluated: 2025-01-13. Review status: criteria provided, single submitter. Criteria: Ambry Variant Classification Scheme 2023. Collection method: clinical testing. Allele origin: germline.
Comment: The p.E437D variant (also known as c.1311G>C), located in coding exon 8 of the DNAAF1 gene, results from a G to C substitution at nucleotide position 1311. The glutamic acid at codon 437 is replaced by aspartic acid, an amino acid with highly similar properties. This amino acid position is conserved. In addition, this alteration is predicted to be tolerated by in silico analysis. Based on the available evidence, the clinical significance of this variant remains unclear.

Labcorp Genetics (formerly Invitae), Labcorp
Classification: Uncertain significance for Primary ciliary dyskinesia. Last evaluated: 2022-07-23. Review status: criteria provided, single submitter. Criteria: Invitae Variant Classification Sherloc (09022015). Collection method: clinical testing. Allele origin: germline.
Comment: This sequence change replaces glutamic acid, which is acidic and polar, with aspartic acid, which is acidic and polar, at codon 437 of the DNAAF1 protein (p.Glu437Asp). This variant is not present in population databases (gnomAD no frequency). This variant has not been reported in the literature in individuals affected with DNAAF1-related conditions. Algorithms developed to predict the effect of missense changes on protein structure and function (SIFT, PolyPhen-2, Align-GVGD) all suggest that this variant is likely to be tolerated. In summary, the available evidence is currently insufficient to determine the role of this variant in disease. Therefore, it has been classified as a Variant of Uncertain Significance.